The following is an entry in ClinVar:

NM_018127.7(ELAC2):c.1731G>C (p.Leu577=)

Gene: ELAC2 (elaC ribonuclease Z 2; minus strand). Cytogenetic location: 17p12.
Variant type: single nucleotide variant.
Coding change: c.1731G>C on transcript NM_018127.7 (MANE Select); coding-DNA position 1731, G replaced by C.
Protein change: p.Leu577=; no amino-acid change (leucine 577 retained).
Molecular consequence: synonymous variant.
Genome position (GRCh38, 1-based): chr17:12,995,780, C>G on the plus strand (G>C on the coding strand, the complement: ELAC2 is on the minus strand). VCF-style: chr17-12995780-C-G. GRCh37 (hg19) VCF-style: chr17-12899097-C-G.
Other names: c.1611G>C, p.Leu537= (NM_001165962.2); c.1728G>C, p.Leu576= (NM_173717.2).
Identifiers: ClinVar variation 506658 (VCV000506658.4), dbSNP rs772768599, ClinGen allele CA288077196.

ClinVar aggregate classification (germline): Likely benign. Review status: criteria provided, multiple submitters, no conflicts (2 of 4 stars). 2 submissions from 2 submitters: Likely benign (2). Last evaluated 2018-06-13.

Allele frequency attached by ClinVar (database versions not stated): gnomAD 0.00001.
gnomAD v4.1: 15 of 1,612,776 alleles (0.00093%); highest among the groups gnomAD compares: Middle Eastern, 0.12%; no homozygotes.

Submissions (2):

Labcorp Genetics (formerly Invitae), Labcorp
Classification: Likely benign. Last evaluated: 2018-06-13. Review status: criteria provided, single submitter. Criteria: Invitae Variant Classification Sherloc (09022015). Collection method: clinical testing. Allele origin: germline.

GeneDx
Classification: Likely benign. Last evaluated: 2017-12-27. Review status: criteria provided, single submitter. Criteria: GeneDx Variant Classification (06012015). Collection method: clinical testing. Allele origin: germline. Affected: yes.
Comment: This variant is considered likely benign or benign based on one or more of the following criteria: it is a conservative change, it occurs at a poorly conserved position in the protein, it is predicted to be benign by multiple in silico algorithms, and/or has population frequency not consistent with disease.